The following is an entry in ClinVar:

ClinVar aggregate classification (germline): Uncertain significance. Review status: criteria provided, multiple submitters, no conflicts (2 of 4 stars). 2 submissions from 2 submitters: Uncertain significance (2). Last evaluated 2024-07-08.

Allele frequency attached by ClinVar (database versions not stated): TOPMed 0.00009; gnomAD exomes 0.00013; ExAC 0.00004; gnomAD 0.00012; ESP Exome Variant Server 0.00008.

Submissions (2):

Dasa
Classification: Uncertain significance. Last evaluated: 2024-07-08. Review status: criteria provided, single submitter. Criteria: DASA Assertion Criteria. Collection method: clinical testing. Allele origin: germline.
Comment: NM_173630.4(RTTN):c.4275G>C (p.Gln1425His) is a missense variant that results in the substitution of glutamine with histidine. Computational prediction algorithms are consistent with a benign effect. The currently available literature and clinical evidence are not sufficient to establish a definitive association between this variant and the reported condition. Therefore, this variant is classified as a variant of uncertain significance.

Labcorp Genetics (formerly Invitae), Labcorp
Classification: Uncertain significance. Last evaluated: 2022-08-12. Review status: criteria provided, single submitter. Criteria: Invitae Variant Classification Sherloc (09022015). Collection method: clinical testing. Allele origin: germline.
Comment: This sequence change replaces glutamine, which is neutral and polar, with histidine, which is basic and polar, at codon 1425 of the RTTN protein (p.Gln1425His). This variant is present in population databases (rs376382612, gnomAD 0.01%). This variant has not been reported in the literature in individuals affected with RTTN-related conditions. Algorithms developed to predict the effect of missense changes on protein structure and function output the following: SIFT: "Tolerated"; PolyPhen-2: "Benign"; Align-GVGD: "Class C0". The histidine amino acid residue is found in multiple mammalian species, which suggests that this missense change does not adversely affect protein function. In summary, the available evidence is currently insufficient to determine the role of this variant in disease. Therefore, it has been classified as a Variant of Uncertain Significance.

NM_173630.4(RTTN):c.4275G>C (p.Gln1425His)

Gene: RTTN (rotatin; minus strand). Cytogenetic location: 18q22.2.
Variant type: single nucleotide variant.
Coding change: c.4275G>C on transcript NM_173630.4 (MANE Select); coding-DNA position 4275, G replaced by C.
Protein change: p.Gln1425His; replaces glutamine 1425 with histidine.
Molecular consequence: missense variant.
Genome position (GRCh38, 1-based): chr18:70,088,016, C>G on the plus strand (G>C on the coding strand, the complement: RTTN is on the minus strand). VCF-style: chr18-70088016-C-G. GRCh37 (hg19) VCF-style: chr18-67755252-C-G.
Other names: c.1539G>C, p.Gln513His (NM_001318520.2); short protein forms Q513H, Q1425H.
Identifiers: ClinVar variation 2163750 (VCV002163750.3), dbSNP rs376382612, ClinGen allele CA8995341.
Genomic context (GRCh38, chr18:70,088,016, plus strand): 5'-TCTAAGGAAAAAAAGGAGAAAAGACAGACATACCTCCCGGCGCACCATACTACATTCTGA[C>G]TGGTCCAGAAGAATGTTCACCACAGTTCCCCAGAGCCCACCGGAAATGTTCTGACAACTG-3'
Protein context (NP_775901.3, residues 1415-1435): WGTVVNILLD[Gln1425His]SECSMVRREA